The following is an entry in ClinVar:

ClinVar aggregate classification (germline): Uncertain significance. Review status: criteria provided, multiple submitters, no conflicts (2 of 4 stars). 3 submissions from 3 submitters: Uncertain significance (3). Last evaluated 2025-09-09.

Allele frequency attached by ClinVar (database versions not stated): ESP Exome Variant Server 0.00008.
gnomAD v4.1: 8 of 1,614,054 alleles (0.0005%); highest among the groups gnomAD compares: Middle Eastern, 0.016%; no homozygotes.

Submissions (3):

Labcorp Genetics (formerly Invitae), Labcorp
Classification: Uncertain significance. Last evaluated: 2025-09-09. Review status: criteria provided, single submitter. Criteria: Invitae Variant Classification Sherloc (09022015). Collection method: clinical testing. Allele origin: germline.
Comment: This sequence change replaces aspartic acid, which is acidic and polar, with glutamic acid, which is acidic and polar, at codon 77 of the COL9A2 protein (p.Asp77Glu). This variant is present in population databases (rs372936826, gnomAD 0.005%). This variant has not been reported in the literature in individuals affected with COL9A2-related conditions. ClinVar contains an entry for this variant (Variation ID: 1306729). Invitae Evidence Modeling of protein sequence and biophysical properties (such as structural, functional, and spatial information, amino acid conservation, physicochemical variation, residue mobility, and thermodynamic stability) indicates that this missense variant is not expected to disrupt COL9A2 protein function with a negative predictive value of 95%. In summary, the available evidence is currently insufficient to determine the role of this variant in disease. Therefore, it has been classified as a Variant of Uncertain Significance.

Blueprint Genetics
Classification: Uncertain significance. Last evaluated: 2021-07-30. Review status: criteria provided, single submitter. Criteria: ACMG Guidelines, 2015. Collection method: clinical testing. Allele origin: germline.

GeneDx
Classification: Uncertain significance. Last evaluated: 2019-07-01. Review status: criteria provided, single submitter. Criteria: GeneDx Variant Classification Process June 2021. Collection method: clinical testing. Allele origin: germline. Affected: yes.
Comment: Has not been previously published as pathogenic or benign to our knowledge; In silico analysis, which includes protein predictors and evolutionary conservation, supports that this variant does not alter protein structure/function

NM_001852.4(COL9A2):c.231C>A (p.Asp77Glu)

Gene: COL9A2 (collagen type IX alpha 2 chain; minus strand). Cytogenetic location: 1p34.2.
Variant type: single nucleotide variant.
Coding change: c.231C>A on transcript NM_001852.4 (MANE Select); coding-DNA position 231, C replaced by A.
Protein change: p.Asp77Glu; replaces aspartic acid 77 with glutamic acid.
Molecular consequence: missense variant.
Genome position (GRCh38, 1-based): chr1:40,314,223, G>T on the plus strand (C>A on the coding strand, the complement: COL9A2 is on the minus strand). VCF-style: chr1-40314223-G-T. GRCh37 (hg19) VCF-style: chr1-40779895-G-T.
Other names: short protein forms D77E.
Identifiers: ClinVar variation 1306729 (VCV001306729.10), dbSNP rs372936826, ClinGen allele CA792063.
Genomic context (GRCh38, chr1:40,314,223, plus strand): 5'-GGCAGAGCCCTACCCTGCCCCACCCGACACTCAGCTACTCACATCAATCCCGGGCTTCCC[G>T]TCTGGCCCATCTGGCCCAGCTTTGCCAGGCTCGCCCTTGGGTCCCTTGAAAACAGAGATG-3'
Protein context (NP_001843.1, residues 67-87): EPGKAGPDGP[Asp77Glu]GKPGIDGLTG